The following is an entry in ClinVar:

ClinVar aggregate classification (germline): Pathogenic. Review status: criteria provided, single submitter (1 of 4 stars). 2 submissions from 2 submitters: Pathogenic (1). 1 of the submissions does not count toward it. Last evaluated 2022-08-23.

Conditions:
D-2-hydroxyglutaric aciduria 1 (D2HGA1). Identifiers: Orphanet 79315, MedGen C3152055, MONDO:0024554, OMIM 600721.

Allele frequency attached by ClinVar (database versions not stated): gnomAD exomes below 0.00001 and 0.00001; ExAC 0.00001; TOPMed 0.00001; gnomAD 0.00003; ESP Exome Variant Server 0.00008.

Submissions (2):

Labcorp Genetics (formerly Invitae), Labcorp
Classification: Pathogenic for D-2-hydroxyglutaric aciduria 1. Last evaluated: 2022-08-23. Review status: criteria provided, single submitter. Criteria: Invitae Variant Classification Sherloc (09022015). Collection method: clinical testing. Allele origin: germline.
Comment: This variant is also known as c.326–327dupTC, p.Glu110ArgfsX19. ClinVar contains an entry for this variant (Variation ID: 1857). For these reasons, this variant has been classified as Pathogenic. This premature translational stop signal has been observed in individual(s) with D-2-hydroxyglutaric aciduria (PMID: 16081310). This sequence change creates a premature translational stop signal (p.Glu110Argfs*18) in the D2HGDH gene. It is expected to result in an absent or disrupted protein product. Loss-of-function variants in D2HGDH are known to be pathogenic (PMID: 16081310, 20020533, 21384162). The frequency data for this variant in the population databases is considered unreliable, as metrics indicate poor data quality at this position in the gnomAD database.

OMIM
Classification: Pathogenic for D-2-HYDROXYGLUTARIC ACIDURIA 1. Last evaluated: 2005-09-01. Review status: no assertion criteria provided. Collection method: literature only. Allele origin: germline. Not counted in ClinVar's aggregate classification.

Literature cited by the submitters: PubMed 16081310 (cited by Labcorp Genetics (formerly Invitae), Labcorp and OMIM); PubMed 20020533 (cited by Labcorp Genetics (formerly Invitae), Labcorp); PubMed 21384162 (cited by Labcorp Genetics (formerly Invitae), Labcorp).

NM_152783.5(D2HGDH):c.325_326dup (p.Glu110fs)

Gene: D2HGDH (D-2-hydroxyglutarate dehydrogenase; plus strand). Cytogenetic location: 2q37.3.
Variant type: Duplication.
Coding change: c.325_326dup on transcript NM_152783.5 (MANE Select); coding-DNA positions 325 to 326, 2 bases duplicated (TC; older notation c.325_326dupTC).
Protein change: p.Glu110fs; shifts the reading frame from glutamic acid 110.
Molecular consequence: frameshift variant. On other transcripts: 5 prime UTR variant (2), non-coding transcript variant (1).
Genome position (GRCh38, 1-based): chr2:241,741,065-241,741,066, TC duplicated. VCF-style (leftmost placement, unchanged base first): chr2-241741064-G-GTC. GRCh37 (hg19) VCF-style: chr2-242680479-G-GTC.
Other names: D2HGDH, 2-BP DUP, 326TC; c.325_326dupTC (NM_152783.4); c.-78_-77dup (NM_001287249.2); c.-220_-219dup (NM_001352824.2); short protein forms E110fs.
Identifiers: ClinVar variation 1857 (VCV000001857.6), dbSNP rs749330477, ClinGen allele CA2221595.